The following is an entry in ClinVar:

ClinVar aggregate classification (germline): Pathogenic. Review status: criteria provided, single submitter (1 of 4 stars). 2 submissions from 2 submitters: Pathogenic (1). 1 of the submissions does not count toward it. Last evaluated 2023-08-10.

Submissions (2):

GeneDx
Classification: Pathogenic. Last evaluated: 2023-08-10. Review status: criteria provided, single submitter. Criteria: GeneDx Variant Classification Process June 2021. Collection method: clinical testing. Allele origin: germline. Affected: yes.
Comment: Canonical splice site variant predicted to result in a null allele in a gene for which loss of function is a known mechanism of disease; Not observed at significant frequency in large population cohorts (gnomAD); This variant is associated with the following publications: (PMID: 25525159, 9529334, 32830442)

Retina International
No classification provided. Review status: no classification provided. Collection method: not provided. Allele origin: not provided. Not counted in ClinVar's aggregate classification.

NM_000273.3(GPR143):c.251-1G>C

Gene: GPR143 (G protein-coupled receptor 143; minus strand). Cytogenetic location: Xp22.2.
Variant type: single nucleotide variant.
Coding change: c.251-1G>C on transcript NM_000273.3 (MANE Select); the canonical splice acceptor site of the intron before coding-DNA position 251, G replaced by C.
Molecular consequence: splice acceptor variant.
Genome position (GRCh38, 1-based): chrX:9,760,827, C>G on the plus strand (G>C on the coding strand, the complement: GPR143 is on the minus strand). VCF-style: chrX-9760827-C-G. GRCh37 (hg19) VCF-style: chrX-9728867-C-G.
Identifiers: ClinVar variation 98623 (VCV000098623.2), dbSNP rs281865177, ClinGen allele CA226170.